The following is an entry in ClinVar:

NM_000094.4(COL7A1):c.5548C>T (p.Pro1850Ser)

Gene: COL7A1 (collagen type VII alpha 1 chain; minus strand). Cytogenetic location: 3p21.31.
Variant type: single nucleotide variant.
Coding change: c.5548C>T on transcript NM_000094.4 (MANE Select); coding-DNA position 5548, C replaced by T.
Protein change: p.Pro1850Ser; replaces proline 1850 with serine.
Molecular consequence: missense variant.
Genome position (GRCh38, 1-based): chr3:48,577,012, G>A on the plus strand (C>T on the coding strand, the complement: COL7A1 is on the minus strand). VCF-style: chr3-48577012-G-A. GRCh37 (hg19) VCF-style: chr3-48614445-G-A.
Other names: short protein forms P1850S.
Identifiers: ClinVar variation 709570 (VCV000709570.11), dbSNP rs761604061, ClinGen allele CA2379438.

ClinVar aggregate classification (germline): Likely benign. Review status: criteria provided, multiple submitters, no conflicts (2 of 4 stars). 3 submissions from 3 submitters: Likely benign (2). 1 of the submissions does not count toward it. Last evaluated 2026-04-24.

Conditions:
Epidermolysis bullosa dystrophica. Also called: Dystrophic epidermolysis bullosa; Dystrophic epidermolysis bullosa, Hallopeau-Siemens type (formerly). Identifiers: Orphanet 303, MedGen C0079294, MONDO:0006543.
COL7A1-related disorder. Also called: COL7A1-related condition; COL7A1- related disorders.

Allele frequency attached by ClinVar (database versions not stated): gnomAD 0.00008 and 0.00009; gnomAD exomes 0.00012 and 0.00059; TOPMed 0.00025; ExAC 0.00052.

Submissions (3):

PreventionGenetics, part of Exact Sciences
Classification: Likely benign for COL7A1-related condition. Last evaluated: 2026-04-24. Review status: criteria provided, single submitter. Criteria: ACMG Guidelines, 2015. Collection method: clinical testing. Allele origin: germline.
Comment: This variant is classified as likely benign based on ACMG/AMP sequence variant interpretation guidelines (Richards et al. 2015 PMID: 25741868, with internal and published modifications).

Labcorp Genetics (formerly Invitae), Labcorp
Classification: Likely benign. Last evaluated: 2026-01-28. Review status: criteria provided, single submitter. Criteria: Invitae Variant Classification Sherloc (09022015). Collection method: clinical testing. Allele origin: germline.

Natera, Inc.
Classification: Uncertain significance for Dystrophic epidermolysis bullosa. Last evaluated: 2020-01-17. Review status: no assertion criteria provided. Collection method: clinical testing. Allele origin: germline. Not counted in ClinVar's aggregate classification.